The following is an entry in ClinVar:

ClinVar aggregate classification (germline): Uncertain significance (1 of 4 stars; one submission).

Conditions:
Autosomal dominant nonsyndromic hearing loss 69. Also called: Deafness, autosomal dominant 69; Deafness, autosomal dominant 69, unilateral or asymmetric. Identifiers: Orphanet 90635, MedGen C4225241, MONDO:0014738, OMIM 616697.

Submission:

3billion
Classification: Uncertain significance for Autosomal dominant nonsyndromic hearing loss 69. Last evaluated: 2022-09-01. Review status: criteria provided, single submitter. Criteria: ACMG Guidelines, 2015. Collection method: clinical testing. Allele origin: germline. Affected: yes. Observed: 1 heterozygote.
Comment: The variant is not observed in the gnomAD v2.1.1 dataset. Start-lost is reinitiation of translation may occur at a downstream alternate start codon but still result in a loss or disruption of normal protein function as there have been pathogenic variants reported upstream of the alternate start codon. Therefore, this variant is classified as uncertain significance according to the recommendation of ACMG/AMP guideline.

NM_000899.5(KITLG):c.2T>A (p.Met1Lys)

Gene: KITLG (KIT ligand; minus strand). Cytogenetic location: 12q21.32.
Variant type: single nucleotide variant.
Coding change: c.2T>A on transcript NM_000899.5 (MANE Select); coding-DNA position 2, T replaced by A.
Protein change: p.Met1Lys; changes the start codon (methionine 1).
Molecular consequence: missense variant, initiator codon variant.
Genome position (GRCh38, 1-based): chr12:88,580,277, A>T on the plus strand (T>A on the coding strand, the complement: KITLG is on the minus strand). VCF-style: chr12-88580277-A-T. GRCh37 (hg19) VCF-style: chr12-88974054-A-T.
Other names: c.2T>A, p.Met1Lys (NM_003994.6); short protein forms M1K.
Identifiers: ClinVar variation 1705594 (VCV001705594.2), dbSNP rs2499229533, ClinGen allele CA386121790.
Genomic context (GRCh38, chr12:88,580,277, plus strand): 5'-CGATTTTTCCTGGAGAGCCTGGGAGCTCCCGGGCGCGCCCTACTCACTTGTGTCTTCTTC[A>T]TAAGGAAAGGCAGCGCTGCGATCCAGCACAAACAGTGGTGTGGCGACTCCGTTTAGCTGT-3'
Protein context (NP_000890.1, residues 1-11): [Met1Lys]KKTQTWILTC